The following is an entry in ClinVar:

NM_000346.4(SOX9):c.888_889dup (p.Tyr297fs)

Gene: SOX9 (SRY-box transcription factor 9; plus strand). Cytogenetic location: 17q24.3.
Variant type: Duplication.
Coding change: c.888_889dup on transcript NM_000346.4 (MANE Select); coding-DNA positions 888 to 889, 2 bases duplicated (GT; older notation c.888_889dupGT).
Protein change: p.Tyr297fs; shifts the reading frame from tyrosine 297.
Molecular consequence: frameshift variant.
Genome position (GRCh38, 1-based): chr17:72,123,745-72,123,746, GT duplicated. VCF-style (leftmost placement, unchanged base first): chr17-72123744-A-AGT. GRCh37 (hg19) VCF-style: chr17-70119885-A-AGT.
Other names: short protein forms Y297fs.
Identifiers: ClinVar variation 817124 (VCV000817124.1), dbSNP rs1598176531, ClinGen allele CA915952175.
Genomic context (GRCh38, chr17:72,123,744, plus strand): 5'-GCGAGCTGAGCAGCGACGTCATCTCCAACATCGAGACCTTCGATGTCAACGAGTTTGACC[A>AGT]GTACCTGCCGCCCAACGGCCACCCGGGGGTGCCGGCCACGCACGGCCAGGTCACCTACAC-3'

ClinVar aggregate classification (germline): Likely pathogenic (1 of 4 stars; one submission).

Submission:

GeneDx
Classification: Likely pathogenic. Last evaluated: 2018-06-18. Review status: criteria provided, single submitter. Criteria: GeneDx Variant Classification (06012015). Collection method: clinical testing. Allele origin: germline. Affected: yes.
Comment: The c.888_889dupGT variant has not been published as a pathogenic variant, nor has it been reported as a benign variant to our knowledge. The duplication causes a frameshift starting with codon Tyrosine 297, changes this amino acid to a Cysteine residue and creates a premature Stop codon at position 87 of the new reading frame, denoted p.Y297CfsX87. This variant causes the last 213 amino acids of the normal SOX9 protein to be replaced with 86 incorrect amino acids. This is expected to create a truncated, abnormal SOX9 protein, which is predicted to have a loss of normal protein function. The c.888_889dupGT variant is not observed in large population cohorts (Lek et al., 2016). Therefore, this variant is likely pathogenic; however, the possibility that it is benign cannot be excluded.